The following is an entry in ClinVar:

NM_001267550.2(TTN):c.67643_67655del (p.Pro22548fs)

Genes: TTN-AS1 (TTN antisense RNA 1; plus strand), TTN (titin; minus strand), LOC126806423 (CDK7 strongly-dependent group 2 enhancer GRCh37_chr2:179443309-179444508; plus strand). Cytogenetic location: 2q31.2.
Variant type: Deletion.
Coding change: c.67643_67655del on transcript NM_001267550.2 (MANE Select); coding-DNA positions 67643 to 67655, 13 bases deleted (CTGATCTTGACTT).
Protein change: p.Pro22548fs; shifts the reading frame from proline 22548.
Molecular consequence: frameshift variant.
Genome position (GRCh38, 1-based): chr2:178,579,375-178,579,387, AAGTCAAGATCAG deleted on the plus strand (CTGATCTTGACTT on the coding strand, the reverse complement: TTN is on the minus strand). VCF-style (leftmost placement, unchanged base first): chr2-178579374-TAAGTCAAGATCAG-T. GRCh37 (hg19) VCF-style: chr2-179444101-TAAGTCAAGATCAG-T.
Other names: c.62720_62732del, p.Pro20907fs (NM_001256850.1); c.40448_40460del, p.Pro13483fs (NM_003319.4); c.59939_59951del, p.Pro19980fs (NM_133378.4); c.40823_40835del, p.Pro13608fs (NM_133432.3); c.41024_41036del, p.Pro13675fs (NM_133437.4); short protein forms P13483fs, P13608fs, P13675fs, P19980fs, P20907fs, P22548fs.
Identifiers: ClinVar variation 3759185 (VCV003759185.2).

ClinVar aggregate classification (germline): Likely pathogenic (1 of 4 stars; one submission).

Conditions:
Dilated cardiomyopathy 1G (CMD1G). Identifiers: Orphanet 154, MedGen C1858763, MONDO:0011400, OMIM 604145.
Autosomal recessive limb-girdle muscular dystrophy type 2J (LGMDR10). Also called: Limb-girdle muscular dystrophy, type 2J; MUSCULAR DYSTROPHY, LIMB-GIRDLE, AUTOSOMAL RECESSIVE 10. Identifiers: Orphanet 140922, MedGen C1837342, MONDO:0012127, OMIM 608807.

Submission:

Labcorp Genetics (formerly Invitae), Labcorp
Classification: Likely pathogenic for Dilated cardiomyopathy 1G; Autosomal recessive limb-girdle muscular dystrophy type 2J. Last evaluated: 2024-09-21. Review status: criteria provided, single submitter. Criteria: Invitae Variant Classification Sherloc (09022015). Collection method: clinical testing. Allele origin: germline.
Comment: This sequence change creates a premature translational stop signal (p.Pro22548Glnfs*23) in the TTN gene. While this is not anticipated to result in nonsense mediated decay, it is expected to create a truncated TTN protein. This variant is not present in population databases (gnomAD no frequency). This variant has not been reported in the literature in individuals affected with TTN-related conditions. This variant is located in the A band of TTN (PMID: 25589632). Truncating variants in this region are significantly overrepresented in patients affected with dilated cardiomyopathy (PMID: 25589632). Truncating variants in this region have also been reported in individuals affected with autosomal recessive centronuclear myopathy (PMID: 23975875). In summary, the currently available evidence indicates that the variant is pathogenic, but additional data are needed to prove that conclusively. Therefore, this variant has been classified as Likely Pathogenic.

Literature cited by the submitters: PubMed 25589632; PubMed 23975875.